The following is an entry in ClinVar:

NM_000334.4(SCN4A):c.2626G>A (p.Glu876Lys)

Genes: GH-LCR (growth hormone locus control region; plus strand), SCN4A (sodium voltage-gated channel alpha subunit 4; minus strand). Cytogenetic location: 17q23.3.
Variant type: single nucleotide variant.
Coding change: c.2626G>A on transcript NM_000334.4 (MANE Select); coding-DNA position 2626, G replaced by A.
Protein change: p.Glu876Lys; replaces glutamic acid 876 with lysine.
Molecular consequence: missense variant.
Genome position (GRCh38, 1-based): chr17:63,951,651, C>T on the plus strand (G>A on the coding strand, the complement: SCN4A is on the minus strand). VCF-style: chr17-63951651-C-T. GRCh37 (hg19) VCF-style: chr17-62029011-C-T.
Other names: short protein forms E876K.
Identifiers: ClinVar variation 324530 (VCV000324530.15), dbSNP rs886053247, ClinGen allele CA10650656.

ClinVar aggregate classification (germline): Uncertain significance. Review status: criteria provided, multiple submitters, no conflicts (2 of 4 stars). 9 submissions from 5 submitters: Uncertain significance (9). Last evaluated 2025-12-15.

Conditions:
Congenital myasthenic syndrome 16. Identifiers: Orphanet 590, MedGen C3280112, MONDO:0013620, OMIM 614198.
Paramyotonia congenita of Von Eulenburg. Also called: Paramyotonia Congenita; PARALYSIS PERIODICA PARAMYOTONICA; Eulenburg disease; Myotonia congenita intermittens; Von Eulenburg paramyotonia congenita. Identifiers: Orphanet 684, MedGen C0221055, MONDO:0008195, OMIM 168300. Disease mechanism: loss of function.
Potassium-aggravated myotonia. Also called: Myotonia congenita, atypical, acetazolamide-responsive; MYOTONIA CONGENITA, ACETAZOLAMIDE-RESPONSIVE; MYOTONIA CONGENITA, ATYPICAL; SODIUM CHANNEL MUSCLE DISEASE. Identifiers: Orphanet 612, Orphanet 99734, Orphanet 99735, Orphanet 99736, MedGen C2931826, MONDO:0018959, OMIM 608390.
Hypokalemic periodic paralysis, type 2 (HOKPP2). Identifiers: Orphanet 681, MedGen C2750061, MONDO:0013234, OMIM 613345.
Hyperkalemic periodic paralysis. Also called: Familial hyperkalemic periodic paralysis; Gamstorp disease. Identifiers: Orphanet 682, MedGen C0238357, MONDO:0008224, OMIM 170500, HP:0007215.

Allele frequency attached by ClinVar (database versions not stated): TOPMed 0.00006; gnomAD 0.00004 and 0.00003; gnomAD exomes 0.00003.

Submissions (9):

Labcorp Genetics (formerly Invitae), Labcorp
Classification: Uncertain significance for Hyperkalemic periodic paralysis. Last evaluated: 2025-12-15. Review status: criteria provided, single submitter. Criteria: Invitae Variant Classification Sherloc (09022015). Collection method: clinical testing. Allele origin: germline.
Comment: This sequence change replaces glutamic acid, which is acidic and polar, with lysine, which is basic and polar, at codon 876 of the SCN4A protein (p.Glu876Lys). This variant is present in population databases (no rsID available, gnomAD 0.02%). This variant has not been reported in the literature in individuals affected with SCN4A-related conditions. ClinVar contains an entry for this variant (Variation ID: 324530). Invitae Evidence Modeling of protein sequence and biophysical properties (such as structural, functional, and spatial information, amino acid conservation, physicochemical variation, residue mobility, and thermodynamic stability) indicates that this missense variant is not expected to disrupt SCN4A protein function with a negative predictive value of 95%. In summary, the available evidence is currently insufficient to determine the role of this variant in disease. Therefore, it has been classified as a Variant of Uncertain Significance.

Revvity Omics, Revvity
Classification: Uncertain significance. Last evaluated: 2025-07-14. Review status: criteria provided, single submitter. Criteria: ACMG Guidelines, 2015. Collection method: clinical testing. Allele origin: germline.

Athena Diagnostics
Classification: Uncertain significance. Last evaluated: 2025-01-31. Review status: criteria provided, single submitter. Criteria: Athena Diagnostics Criteria. Collection method: clinical testing. Allele origin: unknown.
Comment: Available data are insufficient to determine the clinical significance of the variant at this time. The frequency of this variant in the general population is uninformative in assessment of its pathogenicity. Polyphen and MutationTaster predict this amino acid change may be benign.

GeneDx
Classification: Uncertain significance. Last evaluated: 2024-10-15. Review status: criteria provided, single submitter. Criteria: GeneDx Variant Classification Process June 2021. Collection method: clinical testing. Allele origin: germline. Affected: yes.
Comment: In silico analysis indicates that this missense variant does not alter protein structure/function; Has not been previously published as pathogenic or benign to our knowledge

Illumina Laboratory Services, Illumina
Classification: Uncertain significance for Paramyotonia congenita of Von Eulenburg. Last evaluated: 2018-01-12. Review status: criteria provided, single submitter. Criteria: ICSL Variant Classification Criteria 13 December 2019. Collection method: clinical testing. Allele origin: germline.

Illumina Laboratory Services, Illumina
Classification: Uncertain significance for Potassium-aggravated myotonia. Last evaluated: 2018-01-12. Review status: criteria provided, single submitter. Criteria: ICSL Variant Classification Criteria 13 December 2019. Collection method: clinical testing. Allele origin: germline.

Illumina Laboratory Services, Illumina
Classification: Uncertain significance for Hypokalemic periodic paralysis, type 2. Last evaluated: 2018-01-12. Review status: criteria provided, single submitter. Criteria: ICSL Variant Classification Criteria 13 December 2019. Collection method: clinical testing. Allele origin: germline.

Illumina Laboratory Services, Illumina
Classification: Uncertain significance for Hyperkalemic periodic paralysis. Last evaluated: 2018-01-12. Review status: criteria provided, single submitter. Criteria: ICSL Variant Classification Criteria 13 December 2019. Collection method: clinical testing. Allele origin: germline.

Illumina Laboratory Services, Illumina
Classification: Uncertain significance for Congenital myasthenic syndrome 16. Last evaluated: 2018-01-12. Review status: criteria provided, single submitter. Criteria: ICSL Variant Classification Criteria 13 December 2019. Collection method: clinical testing. Allele origin: germline.